The following is an entry in ClinVar:

NM_006000.3(TUBA4A):c.1221G>A (p.Trp407Ter)

Gene: TUBA4A (tubulin alpha 4a; minus strand). Cytogenetic location: 2q35.
Variant type: single nucleotide variant.
Coding change: c.1221G>A on transcript NM_006000.3 (MANE Select); coding-DNA position 1221, G replaced by A.
Protein change: p.Trp407Ter; replaces tryptophan 407 with a stop codon.
Molecular consequence: nonsense.
Genome position (GRCh38, 1-based): chr2:219,250,478, C>T on the plus strand (G>A on the coding strand, the complement: TUBA4A is on the minus strand). VCF-style: chr2-219250478-C-T. GRCh37 (hg19) VCF-style: chr2-220115200-C-T.
Other names: c.1176G>A, p.Trp392Ter (NM_001278552.2); short protein forms W392*, W407*.
Identifiers: ClinVar variation 3340179 (VCV003340179.1).

ClinVar aggregate classification (germline): Uncertain significance (1 of 4 stars; one submission).

gnomAD v4.1: 1 of 1,614,236 alleles (0.000062%); highest among the groups gnomAD compares: Non-Finnish European, 0.000085%; no homozygotes.

Submission:

GeneDx
Classification: Uncertain significance. Last evaluated: 2024-02-14. Review status: criteria provided, single submitter. Criteria: GeneDx Variant Classification Process June 2021. Collection method: clinical testing. Allele origin: germline. Affected: yes.
Comment: In vitro functional data shows that the variant disrupts normal TUBA4A dimerization, ubiquitination, and aggregation, but the typical dominant-negative mechanism was not apparent for this variant (PMID: 25374358); Nonsense variant predicted to result in protein truncation as the last 42 amino acids are lost; Not observed at significant frequency in large population cohorts (gnomAD); This variant is associated with the following publications: (PMID: 37435044, 36747013, 34169147, 33760283, 25374358)